The following is an entry in ClinVar:

NM_000059.4(BRCA2):c.347_350del (p.Ser116fs)

Gene: BRCA2 (BRCA2 DNA repair associated; plus strand). Cytogenetic location: 13q13.1.
Variant type: Deletion.
Coding change: c.347_350del on transcript NM_000059.4 (MANE Select); coding-DNA positions 347 to 350, 4 bases deleted (GTCT; older notation c.347_350delGTCT).
Protein change: p.Ser116fs; shifts the reading frame from serine 116.
Molecular consequence: frameshift variant. On other transcripts: 5 prime UTR variant (1), non-coding transcript variant (1).
Genome position (GRCh38, 1-based): chr13:32,325,106-32,325,109, GTCT deleted. VCF-style (leftmost placement, unchanged base first): chr13-32325105-AGTCT-A. GRCh37 (hg19) VCF-style: chr13-32899242-AGTCT-A.
Other names: c.347_350del, p.Ser116fs (NM_001406719.1, NM_001406720.1, NM_001406721.1 and 1 more transcripts); c.-23_-20del (NM_001406722.1); short protein forms S116fs.
Identifiers: ClinVar variation 3341472 (VCV003341472.1).
Genomic context (GRCh38, chr13:32,325,105, plus strand): 5'-ACATTCTCACTGAATTATTGTACTGTTTCAGGAAGGAATGTTCCCAATAGTAGACATAAA[AGTCT>A]TCGCACAGTGAAAACTAAAATGGATCAAGCAGATGATGTTTCCTGTCCACTTCTAAATTC-3'

ClinVar aggregate classification (germline): Likely pathogenic (1 of 4 stars; one submission).

Conditions:
Breast-ovarian cancer, familial, susceptibility to, 2 (BROVCA2). Also called: BRCA2 Hereditary Breast and Ovarian Cancer. Identifiers: Orphanet 145, MedGen C2675520, MONDO:0012933, OMIM 612555. Disease mechanism: loss of function.

Submission:

Neuberg Centre For Genomic Medicine, NCGM
Classification: Likely pathogenic for Breast-ovarian cancer, familial, susceptibility to, 2. Last evaluated: 2023-05-20. Review status: criteria provided, single submitter. Criteria: ACMG Guidelines, 2015. Collection method: clinical testing. Allele origin: germline. Inheritance: Autosomal dominant inheritance. Affected: yes.
Comment: The observed frameshift c.347_350del(p.Ser116IlefsTer4) variant in BRCA2 gene has not been reported previously as a pathogenic variant nor as a benign variant, to our knowledge. This variant is absent in gnomAD Exomes. This variant causes a frameshift starting with codon Serine 116, changes this amino acid to Isoleucine residue, and creates a premature Stop codon at position 4 of the new reading frame, denoted p.Ser116IlefsTer4. This variant is predicted to cause loss of normal protein function through protein truncation. Loss of function variants have been previously reported to be disease causing. For these reasons, this variant has been classified as Likely Pathogenic.